The following is an entry in ClinVar:

NM_004333.6(BRAF):c.2127+297A>C

Gene: BRAF (B-Raf proto-oncogene, serine/threonine kinase; minus strand). Cytogenetic location: 7q34.
Variant type: single nucleotide variant.
Coding change: c.2127+297A>C on transcript NM_004333.6 (MANE Select); 297 bases into the intron after coding-DNA position 2127, A replaced by C.
Molecular consequence: intron variant.
Genome position (GRCh38, 1-based): chr7:140,739,515, T>G on the plus strand (A>C on the coding strand, the complement: BRAF is on the minus strand). VCF-style: chr7-140739515-T-G. GRCh37 (hg19) VCF-style: chr7-140439315-T-G.
Other names: c.2127+297A>C (NM_001378474.1, NM_001378468.1, NM_001354609.2); c.2025+297A>C (NM_001378470.1); c.1863+297A>C (NM_001378475.1); c.2016+297A>C (NM_001378471.1); c.2247+297A>C (NM_001374258.1, NM_001374244.1); c.2136+297A>C (NM_001378467.1); c.1971+297A>C (NM_001378472.1, NM_001378473.1); c.2061+297A>C (NM_001378469.1).
Identifiers: ClinVar variation 561939 (VCV000561939.1), dbSNP rs71645992, ClinGen allele CA168037809.

ClinVar aggregate classification (germline): Benign (1 of 4 stars; one submission).

Allele frequency attached by ClinVar (database versions not stated): 1000 Genomes Project 0.01118; 1000 Genomes Project 30x 0.01187; TOPMed 0.01367; gnomAD 0.01867 and 0.01939.
gnomAD v4.1: 1,735 of 94,360 alleles (1.8%); highest among the groups gnomAD compares: African/African-American, 12%; 34 homozygotes.

Submission:

GeneDx
Classification: Benign. Last evaluated: 2018-06-19. Review status: criteria provided, single submitter. Criteria: GeneDx Variant Classification (06012015). Collection method: clinical testing. Allele origin: germline. Affected: yes.
Comment: This variant is considered likely benign or benign based on one or more of the following criteria: it is a conservative change, it occurs at a poorly conserved position in the protein, it is predicted to be benign by multiple in silico algorithms, and/or has population frequency not consistent with disease.